The following is an entry in ClinVar:

NM_001379291.1(BRD4):c.3142C>A (p.His1048Asn)

Gene: BRD4 (bromodomain containing 4; minus strand). Cytogenetic location: 19p13.12.
Variant type: single nucleotide variant.
Coding change: c.3142C>A on transcript NM_001379291.1 (MANE Select); coding-DNA position 3142, C replaced by A.
Protein change: p.His1048Asn; replaces histidine 1048 with asparagine.
Molecular consequence: missense variant.
Genome position (GRCh38, 1-based): chr19:15,242,927, G>T on the plus strand (C>A on the coding strand, the complement: BRD4 is on the minus strand). VCF-style: chr19-15242927-G-T. GRCh37 (hg19) VCF-style: chr19-15353738-G-T.
Other names: c.3142C>A, p.His1048Asn (NM_058243.3); short protein forms H1048N.
Identifiers: ClinVar variation 4536542 (VCV004536542.1).

ClinVar aggregate classification (germline): Uncertain significance (1 of 4 stars; one submission).

Submission:

GeneDx
Classification: Uncertain significance. Last evaluated: 2025-06-02. Review status: criteria provided, single submitter. Criteria: GeneDx Variant Classification Process June 2021. Collection method: clinical testing. Allele origin: germline. Affected: yes.
Comment: Not observed at significant frequency in large population cohorts (gnomAD); In silico analysis suggests that this missense variant does not alter protein structure/function; Has not been previously published as pathogenic or benign to our knowledge